The following is an entry in ClinVar:

ClinVar aggregate classification (germline): Benign (1 of 4 stars; one submission).

Conditions:
Multiple cutaneous and mucosal venous malformations (VMCM). Also called: TEK-Related Multiple Cutaneous and Mucosal Venous Malformations (VMCM). Identifiers: Orphanet 2451, MedGen C1838437, MONDO:0010842, OMIM 600195.

Allele frequency attached by ClinVar (database versions not stated): 1000 Genomes Project 30x 0.00031; 1000 Genomes Project 0.00040.

Submission:

Illumina Laboratory Services, Illumina
Classification: Benign for Multiple cutaneous and mucosal venous malformations. Last evaluated: 2018-01-12. Review status: criteria provided, single submitter. Criteria: ICSL Variant Classification Criteria 13 December 2019. Collection method: clinical testing. Allele origin: germline.
Comment: This variant was observed in the ICSL laboratory as part of a predisposition screen in an ostensibly healthy population. It had not been previously curated by ICSL or reported in the Human Gene Mutation Database (HGMD: prior to June 1st, 2018), and was therefore a candidate for classification through an automated scoring system. Utilizing variant allele frequency, disease prevalence and penetrance estimates, and inheritance mode, an automated score was calculated to assess if this variant is too frequent to cause the disease. Based on the score and internal cut-off values, a variant classified as benign is not then subjected to further curation. The score for this variant resulted in a classification of benign for this disease.

NM_000459.5(TEK):c.*556G>C

Gene: TEK (TEK receptor tyrosine kinase; plus strand). Cytogenetic location: 9p21.2.
Variant type: single nucleotide variant.
Coding change: c.*556G>C on transcript NM_000459.5 (MANE Select); 556 bases downstream of the stop codon, G replaced by C.
Molecular consequence: 3 prime UTR variant.
Genome position (GRCh38, 1-based): chr9:27,229,788, G>C. VCF-style: chr9-27229788-G-C. GRCh37 (hg19) VCF-style: chr9-27229786-G-C.
Other names: c.*556G>C (NM_001290077.2, NM_001290078.2, NM_001375475.1 and 1 more transcripts).
Identifiers: ClinVar variation 366471 (VCV000366471.5), dbSNP rs857, ClinGen allele CA10633726.